The following is an entry in ClinVar:

ClinVar aggregate classification (germline): Uncertain significance. Review status: criteria provided, multiple submitters, no conflicts (2 of 4 stars). 3 submissions from 3 submitters: Uncertain significance (3). Last evaluated 2025-07-03.

Conditions:
Hereditary cancer-predisposing syndrome. Also called: Hereditary Cancer Syndrome; Neoplastic Syndromes, Hereditary; Tumor predisposition; Hereditary neoplastic syndrome. Identifiers: Orphanet 140162, MedGen C0027672, MeSH D009386, MONDO:0015356.
Hereditary breast ovarian cancer syndrome. Also called: Hereditary breast and ovarian cancer syndrome; Hereditary breast and ovarian cancer; Hereditary breast and ovarian cancer syndrome (HBOC); Breast and ovarian cancer; Hereditary breast and/or ovarian cancer syndrome; BRCA1- and BRCA2-Associated Hereditary Breast and Ovarian Cancer. Identifiers: Orphanet 145, MedGen C0677776, MeSH D061325, MONDO:0003582. Disease mechanism: loss of function.

Allele frequency attached by ClinVar (database versions not stated): gnomAD exomes below 0.00001; ExAC 0.00001.
gnomAD v4.1: 1 of 1,614,218 alleles (0.000062%); highest among the groups gnomAD compares: South Asian, 0.0011%; no homozygotes.

Submissions (3):

Labcorp Genetics (formerly Invitae), Labcorp
Classification: Uncertain significance for Hereditary breast ovarian cancer syndrome. Last evaluated: 2025-07-03. Review status: criteria provided, single submitter. Criteria: Invitae Variant Classification Sherloc (09022015). Collection method: clinical testing. Allele origin: germline.
Comment: This sequence change replaces phenylalanine, which is neutral and non-polar, with leucine, which is neutral and non-polar, at codon 1571 of the BRCA1 protein (p.Phe1571Leu). This variant is present in population databases (rs768945711, gnomAD 0.003%). This variant has not been reported in the literature in individuals affected with BRCA1-related conditions. ClinVar contains an entry for this variant (Variation ID: 481193). Invitae Evidence Modeling of protein sequence and biophysical properties (such as structural, functional, and spatial information, amino acid conservation, physicochemical variation, residue mobility, and thermodynamic stability) indicates that this missense variant is not expected to disrupt BRCA1 protein function with a negative predictive value of 95%. In summary, the available evidence is currently insufficient to determine the role of this variant in disease. Therefore, it has been classified as a Variant of Uncertain Significance.

Ambry Genetics
Classification: Uncertain significance for Hereditary cancer-predisposing syndrome. Last evaluated: 2025-01-08. Review status: criteria provided, single submitter. Criteria: Ambry Variant Classification Scheme 2023. Collection method: clinical testing. Allele origin: germline.
Comment: The p.F1571L variant (also known as c.4713C>G), located in coding exon 14 of the BRCA1 gene, results from a C to G substitution at nucleotide position 4713. The phenylalanine at codon 1571 is replaced by leucine, an amino acid with highly similar properties. This amino acid position is well conserved in available vertebrate species. In addition, the in silico prediction for this alteration is inconclusive. Since supporting evidence is limited at this time, the clinical significance of this alteration remains unclear.

Women's Health and Genetics/Laboratory Corporation of America, LabCorp
Classification: Uncertain significance. Last evaluated: 2021-04-05. Review status: criteria provided, single submitter. Criteria: LabCorp Variant Classification Summary - May 2015. Collection method: clinical testing. Allele origin: germline.
Comment: Variant summary: BRCA1 c.4713C>G (p.Phe1571Leu) results in a non-conservative amino acid change in the encoded protein sequence. Three of five in-silico tools predict a damaging effect of the variant on protein function. The variant allele was found at a frequency of 4e-06 in 251228 control chromosomes. The available data on variant occurrences in the general population are insufficient to allow any conclusion about variant significance. To our knowledge, no occurrence of c.4713C>G in individuals affected with Hereditary Breast And Ovarian Cancer Syndrome and no experimental evidence demonstrating its impact on protein function have been reported. Two clinical diagnostic laboratories have submitted clinical-significance assessments for this variant to ClinVar after 2014 without evidence for independent evaluation. All laboratories classified the variant as uncertain significance. Based on the evidence outlined above, the variant was classified as uncertain significance.

NM_007294.4(BRCA1):c.4713C>G (p.Phe1571Leu)

Gene: BRCA1 (BRCA1 DNA repair associated; minus strand). Cytogenetic location: 17q21.31.
Variant type: single nucleotide variant.
Coding change: c.4713C>G on transcript NM_007294.4 (MANE Select); coding-DNA position 4713, C replaced by G.
Protein change: p.Phe1571Leu; replaces phenylalanine 1571 with leucine.
Molecular consequence: missense variant. On other transcripts: non-coding transcript variant (1).
Genome position (GRCh38, 1-based): chr17:43,071,201, G>C on the plus strand (C>G on the coding strand, the complement: BRCA1 is on the minus strand). VCF-style: chr17-43071201-G-C. GRCh37 (hg19) VCF-style: chr17-41223218-G-C.
Other names: c.1278C>G, p.Phe426Leu (NM_001408434.1, NM_001408435.1, NM_001408437.1 and 10 more transcripts); c.4707C>G, p.Phe1569Leu (NM_001407630.1, NM_001407633.1, NM_001407636.1 and 14 more transcripts); c.4566C>G, p.Phe1522Leu (NM_001407847.1, NM_001407848.1, NM_001407850.1 and 12 more transcripts); c.4584C>G, p.Phe1528Leu (NM_001407689.1, NM_001407941.1, NM_001407681.1 and 6 more transcripts); c.4581C>G, p.Phe1527Leu (NM_001407690.1, NM_001407691.1); c.4572C>G, p.Phe1524Leu (NM_001407692.1, NM_001407694.1, NM_001407695.1 and 13 more transcripts); c.4569C>G, p.Phe1523Leu (NM_001407732.1, NM_001407733.1, NM_001407734.1 and 21 more transcripts); c.4713C>G, p.Phe1571Leu (NM_001407854.1, NM_001407593.1, NM_001407594.1 and 8 more transcripts); and 70 more; short protein forms F1571L, F1524L, F1592L, F467L, F1444L, F1481L, F1482L, F1499L.
Identifiers: ClinVar variation 481193 (VCV000481193.18), dbSNP rs768945711, ClinGen allele CA052816.